The following is an entry in ClinVar:

ClinVar aggregate classification (germline): Uncertain significance. Review status: criteria provided, multiple submitters, no conflicts (2 of 4 stars). 2 submissions from 2 submitters: Uncertain significance (2). Last evaluated 2025-02-06.

Conditions:
Hennekam lymphangiectasia-lymphedema syndrome 2 (HKLLS2). Identifiers: Orphanet 2136, MedGen C4014939, MONDO:0014454, OMIM 616006.
Van Maldergem syndrome 2 (VMLDS2). Identifiers: Orphanet 314679, MedGen C3809875, MONDO:0014242, OMIM 615546.

gnomAD v4.1: 3 of 1,613,962 alleles (0.00019%); highest among the groups gnomAD compares: Non-Finnish European, 0.00025%; no homozygotes.

Submissions (2):

Clinical Genomics Laboratory, Washington University in St. Louis
Classification: Uncertain significance for Hennekam lymphangiectasia-lymphedema syndrome 2; Van Maldergem syndrome 2. Last evaluated: 2025-02-06. Review status: criteria provided, single submitter. Criteria: ACMG Guidelines, 2015. Collection method: clinical testing. Allele origin: germline.
Comment: A FAT4 c.6580G>A (p.Val2194Ile) variant was identified at a near heterozygous allelic fraction of 48.5%, a frequency which may be consistent with germline origin. This variant, to our knowledge, has not been reported in the medical literature. It is only observed on 3/1,613,962 alleles in the general population (gnomAD v.4.1.0), indicating it is not a common variant. Computational predictors suggest that the variant does not impact FAT4 function. Due to limited information, and based on ACMG/AMP guidelines for variant interpretation (Richards S et al., PMID: 25741868), the clinical significance of this variant is uncertain at this time.

Fulgent Genetics
Classification: Uncertain significance for Van Maldergem syndrome 2; Hennekam lymphangiectasia-lymphedema syndrome 2. Last evaluated: 2024-04-30. Review status: criteria provided, single submitter. Criteria: ACMG Guidelines, 2015. Collection method: clinical testing. Allele origin: germline.

NM_001291303.3(FAT4):c.6580G>A (p.Val2194Ile)

Gene: FAT4 (FAT atypical cadherin 4; plus strand). Cytogenetic location: 4q28.1.
Variant type: single nucleotide variant.
Coding change: c.6580G>A on transcript NM_001291303.3 (MANE Select); coding-DNA position 6580, G replaced by A.
Protein change: p.Val2194Ile; replaces valine 2194 with isoleucine.
Molecular consequence: missense variant.
Genome position (GRCh38, 1-based): chr4:125,415,543, G>A. VCF-style: chr4-125415543-G-A. GRCh37 (hg19) VCF-style: chr4-126336698-G-A.
Other names: c.6580G>A (NM_024582.5); c.6580G>A, p.Val2194Ile (NM_001291285.3, NM_024582.6); short protein forms V2194I.
Identifiers: ClinVar variation 3589987 (VCV003589987.2).
Genomic context (GRCh38, chr4:125,415,543, plus strand): 5'-ATACAAGTGTTCGCAGCAGATGGAGATGAAGGCACAAATGGACAGGTTCGCTATGGCATT[G>A]TTAATGGTAATACCAATCAGGAATTTCGGATAGACTCTGTCACAGGTGCCATCACTGTCG-3'
Protein context (NP_001278232.1, residues 2184-2204): GTNGQVRYGI[Val2194Ile]NGNTNQEFRI